The following is an entry in ClinVar:

ClinVar aggregate classification (germline): Uncertain significance (1 of 4 stars; one submission).

Submission:

GeneDx
Classification: Uncertain significance. Last evaluated: 2023-06-28. Review status: criteria provided, single submitter. Criteria: GeneDx Variant Classification Process June 2021. Collection method: clinical testing. Allele origin: germline. Affected: yes.
Comment: Not observed at significant frequency in large population cohorts (gnomAD); Frameshift variant predicted to result in protein truncation or nonsense mediated decay in a gene or region of a gene for which loss of function is not a well-established mechanism of disease; Has not been previously published as pathogenic or benign to our knowledge

NM_001940.4(ATN1):c.1185_1198del (p.Ala396fs)

Gene: ATN1 (atrophin 1; plus strand). Cytogenetic location: 12p13.31.
Variant type: Deletion.
Coding change: c.1185_1198del on transcript NM_001940.4 (MANE Select); coding-DNA positions 1185 to 1198, 14 bases deleted (TGCCTCCCCCTTCC).
Protein change: p.Ala396fs; shifts the reading frame from alanine 396.
Molecular consequence: frameshift variant.
Genome position (GRCh38, 1-based): chr12:6,936,452-6,936,465, TGCCTCCCCCTTCC deleted; deleting any 14 consecutive bases within chr12:6,936,451-6,936,465 gives the same sequence; the c. name uses the placement nearest the transcript's 3' end. VCF-style (leftmost placement, unchanged base first): chr12-6936450-TCTGCCTCCCCCTTC-T. GRCh37 (hg19) VCF-style: chr12-7045613-TCTGCCTCCCCCTTC-T.
Other names: c.1185_1198del, p.Ala396fs (NM_001007026.2, NM_001424176.1, NM_001424177.1 and 1 more transcripts); c.1182_1195del, p.Ala395fs (NM_001424179.1, NM_001424180.1, NM_001424182.1); short protein forms A395fs, A396fs.
Identifiers: ClinVar variation 3360152 (VCV003360152.1).
Genomic context (GRCh38, chr12:6,936,450, plus strand): 5'-TATTCATCCTCTAGTAGTAGCTCTGCAGCAGCCTCCTCTTCCAGTTCTTCCTCCTCTTCC[TCTGCCTCCCCCTTC>T]CCAGCTTCCCAGGCATTGCCCAGCTACCCCCACTCTTTCCCTCCCCCAACAAGCCTCTCT-3'